The following is an entry in ClinVar:

NM_001035.3(RYR2):c.7925G>A (p.Arg2642Lys)

Gene: RYR2 (ryanodine receptor 2; plus strand). Cytogenetic location: 1q43.
Variant type: single nucleotide variant.
Coding change: c.7925G>A on transcript NM_001035.3 (MANE Select); coding-DNA position 7925, G replaced by A.
Protein change: p.Arg2642Lys; replaces arginine 2642 with lysine.
Molecular consequence: missense variant.
Genome position (GRCh38, 1-based): chr1:237,654,374, G>A. VCF-style: chr1-237654374-G-A. GRCh37 (hg19) VCF-style: chr1-237817674-G-A.
Other names: p.R2642K:AGA>AAA; c.7925G>A, p.Arg2642Lys (LRG_402t1); short protein forms R2642K.
Identifiers: ClinVar variation 201283 (VCV000201283.24), dbSNP rs377473366, ClinGen allele CA010798.
Genomic context (GRCh38, chr1:237,654,374, plus strand): 5'-GCCTGCCTGGAGGGTGGGGAAACTTTGGTGCTGCCTCAGAAGAAGAACTTCATTTATCAA[G>A]AAAGTTGTTCTGGGGCATTTTTGATGCCCTGTCTCAAAAGGTAATTTAATGGTTTGTGGG-3'
Protein context (NP_001026.2, residues 2632-2652): AASEEELHLS[Arg2642Lys]KLFWGIFDAL

ClinVar aggregate classification (germline): Likely benign. Review status: criteria provided, multiple submitters, no conflicts (2 of 4 stars). 7 submissions from 7 submitters: Likely benign (6). 1 of the submissions does not count toward it. Last evaluated 2026-01-26.

Conditions:
RYR2-related disorder. Also called: RYR2-related condition.
Cardiovascular phenotype. Identifiers: MedGen CN230736.
Catecholaminergic polymorphic ventricular tachycardia (CVPT). Also called: Catecholamine-induced polymorphic ventricular tachycardia. Identifiers: Orphanet 3286, MedGen C5574922, MONDO:0017990.
Cardiomyopathy (CMYO). Also called: Cardiomyopathies. Identifiers: Orphanet 167848, MedGen C0878544, MONDO:0004994, HP:0001638. Inheritance: Various modes of inheritance.
Catecholaminergic polymorphic ventricular tachycardia 1. Also called: RYR2-Related Catecholaminergic Polymorphic Ventricular Tachycardia; VENTRICULAR TACHYCARDIA, CATECHOLAMINERGIC POLYMORPHIC, 1, WITH OR WITHOUT ATRIAL DYSFUNCTION AND/OR DILATED CARDIOMYOPATHY; VENTRICULAR TACHYCARDIA, STRESS-INDUCED POLYMORPHIC 1. Identifiers: Orphanet 3286, MedGen C1631597, MONDO:0011484, OMIM 604772.

Allele frequency attached by ClinVar (database versions not stated): gnomAD exomes 0.00003 and 0.00007; ExAC 0.00008; ESP Exome Variant Server 0.00008; 1000 Genomes Project 30x 0.00031; gnomAD 0.00031 and 0.00034; TOPMed 0.00036; 1000 Genomes Project 0.00040.
gnomAD v4.1: 87 of 1,613,902 alleles (0.0054%); highest among the groups gnomAD compares: African/African-American, 0.11%; no homozygotes.

Submissions (7):

Labcorp Genetics (formerly Invitae), Labcorp
Classification: Likely benign for Catecholaminergic polymorphic ventricular tachycardia 1. Last evaluated: 2026-01-26. Review status: criteria provided, single submitter. Criteria: Invitae Variant Classification Sherloc (09022015). Collection method: clinical testing. Allele origin: germline.

All of Us Research Program, National Institutes of Health
Classification: Likely benign for Catecholaminergic polymorphic ventricular tachycardia. Last evaluated: 2024-02-05. Review status: criteria provided, single submitter. Criteria: ACMG Guidelines, 2015. Collection method: clinical testing. Allele origin: germline. Inheritance: Autosomal dominant inheritance. Observed: 22 variant alleles, 22 heterozygotes.
Comment: This study involves interpretation of variants in research participants for the purpose of population health screening. Participant phenotype was not available at the time of variant classification. Additional details can be found in publication PMID: 35346344, PMCID: PMC8962531

Ambry Genetics
Classification: Likely benign for Cardiovascular phenotype. Last evaluated: 2021-06-25. Review status: criteria provided, single submitter. Criteria: Ambry Variant Classification Scheme 2023. Collection method: clinical testing. Allele origin: germline.

GeneDx
Classification: Likely benign. Last evaluated: 2020-12-08. Review status: criteria provided, single submitter. Criteria: GeneDx Variant Classification Process June 2021. Collection method: clinical testing. Allele origin: germline. Affected: yes.

Women's Health and Genetics/Laboratory Corporation of America, LabCorp
Classification: Likely benign. Last evaluated: 2020-04-13. Review status: criteria provided, single submitter. Criteria: LabCorp Variant Classification Summary - May 2015. Collection method: clinical testing. Allele origin: germline.
Comment: Variant summary: RYR2 c.7925G>A (p.Arg2642Lys) results in a conservative amino acid change in the encoded protein sequence. Four of five in-silico tools predict a benign effect of the variant on protein function. The variant allele was found at a frequency of 6.8e-05 in 249184 control chromosomes, predominantly at a frequency of 0.0011 within the African or African-American subpopulation in the gnomAD database. The observed variant frequency within African or African-American control individuals in the gnomAD database is approximately 44- fold the estimated maximal expected allele frequency for a pathogenic variant in RYR2 causing Cardiomyopathy phenotype (2.5e-05), strongly suggesting that the variant is a benign polymorphism found primarily in populations of African or African-American origin. To our knowledge, no occurrence of c.7925G>A in individuals affected with Cardiomyopathy and no experimental evidence demonstrating its impact on protein function have been reported. Three other clinical diagnostic laboratories have submitted clinical-significance assessments for this variant to ClinVar after 2014 without evidence for independent evaluation. They have cited the variant as likely benign (n=2) and uncertain significance (n=1). Based on the evidence outlined above, the variant was classified as likely benign.

Color Diagnostics, LLC DBA Color Health
Classification: Likely benign for Cardiomyopathy. Last evaluated: 2019-01-27. Review status: criteria provided, single submitter. Criteria: ACMG Guidelines, 2015. Collection method: clinical testing. Allele origin: germline.

PreventionGenetics, part of Exact Sciences
Classification: Likely benign for RYR2-related condition. Last evaluated: 2022-11-10. Review status: no assertion criteria provided. Collection method: clinical testing. Allele origin: germline. Not counted in ClinVar's aggregate classification.
Comment: This variant is classified as likely benign based on ACMG/AMP sequence variant interpretation guidelines (Richards et al. 2015 PMID: 25741868, with internal and published modifications).